The following is an entry in ClinVar:

NM_001370466.1(NOD2):c.2903T>C (p.Ile968Thr)

Genes: CYLD-AS1 (CYLD antisense RNA 1; minus strand), NOD2 (nucleotide binding oligomerization domain containing 2; plus strand). Cytogenetic location: 16q12.1.
Variant type: single nucleotide variant.
Coding change: c.2903T>C on transcript NM_001370466.1 (MANE Select); coding-DNA position 2903, T replaced by C.
Protein change: p.Ile968Thr; replaces isoleucine 968 with threonine.
Molecular consequence: missense variant. On other transcripts: non-coding transcript variant (1).
Genome position (GRCh38, 1-based): chr16:50,729,835, T>C. VCF-style: chr16-50729835-T-C. GRCh37 (hg19) VCF-style: chr16-50763746-T-C.
Other names: c.2903T>C, p.Ile968Thr (NM_001293557.2); c.2984T>C, p.Ile995Thr (NM_022162.3); short protein forms I968T, I995T.
Identifiers: ClinVar variation 859920 (VCV000859920.50), dbSNP rs1306240431, ClinGen allele CA395876700.

ClinVar aggregate classification (germline): Uncertain significance. Review status: criteria provided, multiple submitters, no conflicts (2 of 4 stars). 2 submissions from 2 submitters: Uncertain significance (2). Last evaluated 2025-04-09.

Conditions:
Regional enteritis. Also called: Enteritis, Granulomatous. Identifiers: MedGen C0678202, MeSH D003424.
Blau syndrome (BLAUS). Also called: GRANULOMATOSIS, FAMILIAL JUVENILE SYSTEMIC; GRANULOMATOSIS, FAMILIAL, BLAU TYPE; GRANULOMATOUS INFLAMMATORY ARTHRITIS, DERMATITIS, AND UVEITIS, FAMILIAL; JABS SYNDROME; ARTHROCUTANEOUVEAL GRANULOMATOSIS. Identifiers: Orphanet 90340, MedGen C5201146, MONDO:0008523, OMIM 186580.
Autoinflammatory syndrome. Identifiers: Orphanet 93665, MedGen C3890737, MONDO:0019751.

Allele frequency attached by ClinVar (database versions not stated): gnomAD exomes below 0.00001 and 0.00002; gnomAD 0.00001; TOPMed 0.00001.

Submissions (2):

Labcorp Genetics (formerly Invitae), Labcorp
Classification: Uncertain significance for Regional enteritis; Blau syndrome. Last evaluated: 2025-04-09. Review status: criteria provided, single submitter. Criteria: Invitae Variant Classification Sherloc (09022015). Collection method: clinical testing. Allele origin: germline.
Comment: This sequence change replaces isoleucine, which is neutral and non-polar, with threonine, which is neutral and polar, at codon 995 of the NOD2 protein (p.Ile995Thr). This variant is present in population databases (no rsID available, gnomAD 0.0009%). This variant has not been reported in the literature in individuals affected with NOD2-related conditions. ClinVar contains an entry for this variant (Variation ID: 859920). Invitae Evidence Modeling of protein sequence and biophysical properties (such as structural, functional, and spatial information, amino acid conservation, physicochemical variation, residue mobility, and thermodynamic stability) has been performed for this missense variant. However, the output from this modeling did not meet the statistical confidence thresholds required to predict the impact of this variant on NOD2 protein function. In summary, the available evidence is currently insufficient to determine the role of this variant in disease. Therefore, it has been classified as a Variant of Uncertain Significance.

Genome Diagnostics Laboratory, The Hospital for Sick Children
Classification: Uncertain significance for Autoinflammatory syndrome. Last evaluated: 2017-11-01. Review status: criteria provided, single submitter. Criteria: ACMG Guidelines, 2015. Collection method: clinical testing. Allele origin: germline. Affected: yes.